The following is an entry in ClinVar:

NM_000384.3(APOB):c.12220G>A (p.Val4074Met)

Gene: APOB (apolipoprotein B; minus strand). Cytogenetic location: 2p24.1.
Variant type: single nucleotide variant.
Coding change: c.12220G>A on transcript NM_000384.3 (MANE Select); coding-DNA position 12220, G replaced by A.
Protein change: p.Val4074Met; replaces valine 4074 with methionine.
Molecular consequence: missense variant.
Genome position (GRCh38, 1-based): chr2:21,003,202, C>T on the plus strand (G>A on the coding strand, the complement: APOB is on the minus strand). VCF-style: chr2-21003202-C-T. GRCh37 (hg19) VCF-style: chr2-21226074-C-T.
Other names: short protein forms V4074M.
Identifiers: ClinVar variation 477797 (VCV000477797.12), dbSNP rs1038411462, ClinGen allele CA43489282.

ClinVar aggregate classification (germline): Conflicting classifications of pathogenicity. Review status: criteria provided, conflicting classifications (1 of 4 stars). 2 submissions from 2 submitters: Uncertain significance (1); Likely benign (1). Last evaluated 2025-05-02.

Conditions:
Hypercholesterolemia, autosomal dominant, type B (FHCL2). Also called: APOB-Related Familial Hypercholesterolemia, Autosomal Dominant; Hyperlipoproteinemia Type IIb; Familial Hypercholesterolemia Type B; APOLIPOPROTEIN B-100, FAMILIAL DEFECTIVE; APOLIPOPROTEIN B-100, FAMILIAL LIGAND-DEFECTIVE; HYPERCHOLESTEROLEMIA, FAMILIAL, DUE TO LIGAND-DEFECTIVE APOLIPOPROTEIN B. Identifiers: MedGen C1704417, MONDO:0007751, OMIM 144010.
Familial hypobetalipoproteinemia 1. Also called: Hypobetalipoproteinemia, normotriglyceridemic; Acanthocytosis with hypobetalipoproteinemia; APOB-Related Familial Hypobetalipoproteinemia. Identifiers: MedGen C4551990, MONDO:0014252, OMIM 615558.
Cardiovascular phenotype. Identifiers: MedGen CN230736.

Allele frequency attached by ClinVar (database versions not stated): gnomAD 0.00001; gnomAD exomes 0.00001 and 0.00003; TOPMed 0.00001.
gnomAD v4.1: 46 of 1,613,902 alleles (0.0029%); highest among the groups gnomAD compares: Non-Finnish European, 0.0036%; no homozygotes.

Submissions (2):

Ambry Genetics
Classification: Uncertain significance for Cardiovascular phenotype. Last evaluated: 2025-05-02. Review status: criteria provided, single submitter. Criteria: Ambry Variant Classification Scheme 2023. Collection method: clinical testing. Allele origin: germline.
Comment: The p.V4074M variant (also known as c.12220G>A), located in coding exon 29 of the APOB gene, results from a G to A substitution at nucleotide position 12220. The valine at codon 4074 is replaced by methionine, an amino acid with highly similar properties. This amino acid position is conserved. In addition, this alteration is predicted to be tolerated by in silico analysis. Based on the available evidence, the clinical significance of this variant remains unclear.

Labcorp Genetics (formerly Invitae), Labcorp
Classification: Likely benign for Familial hypobetalipoproteinemia 1; Hypercholesterolemia, autosomal dominant, type B. Last evaluated: 2024-05-20. Review status: criteria provided, single submitter. Criteria: Invitae Variant Classification Sherloc (09022015). Collection method: clinical testing. Allele origin: germline.